The following is an entry in ClinVar:

NM_000465.4(BARD1):c.2001+3A>G

Gene: BARD1 (BRCA1 associated RING domain 1; minus strand). Cytogenetic location: 2q35.
Variant type: single nucleotide variant.
Coding change: c.2001+3A>G on transcript NM_000465.4 (MANE Select); 3 bases into the intron after coding-DNA position 2001, A replaced by G.
Molecular consequence: intron variant.
Genome position (GRCh38, 1-based): chr2:214,730,408, T>C on the plus strand (A>G on the coding strand, the complement: BARD1 is on the minus strand). VCF-style: chr2-214730408-T-C. GRCh37 (hg19) VCF-style: chr2-215595132-T-C.
Other names: c.2001+3A>G (LRG_297t1); c.591+3A>G (NM_001282548.2); c.1944+3A>G (NM_001282543.2); c.648+3A>G (NM_001282545.2); c.462+3A>G (NM_001282549.2).
Identifiers: ClinVar variation 548723 (VCV000548723.22), dbSNP rs1553612461, ClinGen allele CA658821564.
Genomic context (GRCh38, chr2:214,730,408, plus strand): 5'-TGATGGTGATAATAATAGTATGTCATAATAAGAACAATGAAAGTTGTATTAAAAGAAAAA[T>C]ACCAGCTGTTCTCTGTTGAGCCTGCTTCTGCGTGGACCTTCAGGAATTTCATACTTTTCT-3'

ClinVar aggregate classification (germline): Conflicting classifications of pathogenicity. Review status: criteria provided, conflicting classifications (1 of 4 stars). 8 submissions from 8 submitters: Likely pathogenic (2); Uncertain significance (4). 2 of the submissions do not count toward it. Last evaluated 2025-12-31.

Conditions:
Malignant tumor of breast. Also called: Cancer breast; Malignant breast neoplasm. Identifiers: MedGen C0006142, MONDO:0007254. Disease mechanism: loss of function.
Hereditary cancer-predisposing syndrome. Also called: Hereditary Cancer Syndrome; Hereditary neoplastic syndrome; Tumor predisposition; Neoplastic Syndromes, Hereditary. Identifiers: Orphanet 140162, MedGen C0027672, MeSH D009386, MONDO:0015356.
Familial cancer of breast. Also called: Hereditary breast cancer; hereditary breast carcinoma; BREAST CANCER, FAMILIAL. Identifiers: Orphanet 227535, MedGen C0346153, MONDO:0016419, OMIM 114480. Disease mechanism: loss of function.

Submissions (8):

Labcorp Genetics (formerly Invitae), Labcorp
Classification: Likely pathogenic for Familial cancer of breast. Last evaluated: 2025-12-31. Review status: criteria provided, single submitter. Criteria: Invitae Variant Classification Sherloc (09022015). Collection method: clinical testing. Allele origin: germline.
Comment: This sequence change falls in intron 10 of the BARD1 gene. It does not directly change the encoded amino acid sequence of the BARD1 protein. RNA analysis indicates that this variant induces altered splicing and likely disrupts the C-terminus of the protein. This variant is not present in population databases (gnomAD no frequency). This variant has not been reported in the literature in individuals affected with BARD1-related conditions. ClinVar contains an entry for this variant (Variation ID: 548723). Variants that disrupt the consensus splice site are a relatively common cause of aberrant splicing (PMID: 17576681, 9536098). Studies have shown that this variant results in intronic insertion and introduces a new termination codon (internal data). However the mRNA is not expected to undergo nonsense-mediated decay. This variant disrupts the C-terminal BRCT domain of BARD1 protein, which is required for chromosome stability and homology-directed repair (PMID: 17848578). A different variant (p.Val767fs) that lies downstream of this variant has been reported to affect BARD1 protein function (PMID: 30925164), this suggests that disruption of this region of the protein is causative of disease. In summary, the currently available evidence indicates that the variant is pathogenic, but additional data are needed to prove that conclusively. Therefore, this variant has been classified as Likely Pathogenic.

Quest Diagnostics Nichols Institute San Juan Capistrano
Classification: Uncertain significance. Last evaluated: 2025-09-15. Review status: criteria provided, single submitter. Criteria: Quest Diagnostics criteria. Collection method: clinical testing. Allele origin: unknown.
Comment: The BARD1 c.2001+3A>G variant has been reported in an individual with breast cancer (PMID: 32885271 (2021)). This variant has not been reported in large, multi-ethnic general populations (Genome Aggregation Database). Analysis of this variant using software algorithms for the prediction of the effect of nucleotide changes on splicing yielded inconclusive findings. Based on the available information, we are unable to determine the clinical significance of this variant.

Ambry Genetics
Classification: Uncertain significance for Hereditary cancer-predisposing syndrome. Last evaluated: 2025-06-26. Review status: criteria provided, single submitter. Criteria: Ambry Variant Classification Scheme 2023. Collection method: clinical testing. Allele origin: germline.
Comment: The c.2001+3A>G intronic variant results from an A to G substitution 3 nucleotides after coding exon 10 in the BARD1 gene. This nucleotide position is well conserved in available vertebrate species. In silico splice site analysis predicts that this alteration will weaken the native splice donor site; however, direct evidence is insufficient at this time (Ambry internal data). Since supporting evidence is limited at this time, the clinical significance of this alteration remains unclear.

Baylor Genetics
Classification: Likely pathogenic for Familial cancer of breast. Last evaluated: 2024-03-22. Review status: criteria provided, single submitter. Criteria: ACMG Guidelines, 2015. Collection method: clinical testing. Allele origin: unknown.

Myriad Genetics, Inc.
Classification: Uncertain significance for Familial cancer of breast. Last evaluated: 2023-02-23. Review status: criteria provided, single submitter. Criteria: Myriad Autosomal Dominant, Autosomal Recessive and X-Linked Classification Criteria (2023). Collection method: clinical testing. Allele origin: unknown.
Comment: This variant is classified as a variant of uncertain significance as there is insufficient evidence to determine its impact on protein function and/or cancer risk.

Color Diagnostics, LLC DBA Color Health
Classification: Uncertain significance for Hereditary cancer-predisposing syndrome. Last evaluated: 2019-08-01. Review status: criteria provided, single submitter. Criteria: ACMG Guidelines, 2015. Collection method: clinical testing. Allele origin: germline.
Comment: This variant causes an A>G nucleotide substitution at the +3 position of intron 10 of the BARD1 gene. Computational splicing tools predict that this variant may have a significant impact on RNA splicing, although RNA study has not been performed to confirm the prediction. To our knowledge, this variant has not been reported in individuals affected with hereditary cancer in the literature. This variant has not been identified in the general population by the Genome Aggregation Database (gnomAD). Available evidence is insufficient to determine the role of this variant in disease conclusively. Therefore, this variant is classified as a Variant of Uncertain Significance.

Counsyl
Classification: Uncertain significance for Familial cancer of breast. Last evaluated: 2017-02-06. Review status: no assertion criteria provided. Collection method: clinical testing. Allele origin: unknown. Not counted in ClinVar's aggregate classification.

Department of Pathology and Laboratory Medicine, Sinai Health System
Classification: Uncertain significance for Malignant tumor of breast. Review status: no assertion criteria provided. Collection method: clinical testing. Allele origin: unknown. Affected: yes. Study: The Canadian Open Genetics Repository (COGR). Not counted in ClinVar's aggregate classification.
Comment: The BARD1 c.2001+3A>G variant was not identified in the literature nor was it identified in the dbSNP, ClinVar, MutDB, Zhejiang Colon Cancer Database, the 1000 Genomes Project, the NHLBI GO Exome Sequencing Project, the Exome Aggregation Consortium (August 8th 2016), or the Genome Aggregation Database (Feb 27, 2017). The c.2001+3A>G variant is located in the 5' splice region but does not affect the invariant +1 and +2 positions. However, positions +3 to +6 are part of the splicing consensus sequence and variants involving these positions sometimes affect splicing. 2 of 5 in silico or computational prediction software programs (SpliceSiteFinder, MaxEntScan, NNSPLICE, GeneSplicer, HumanSpliceFinder) predict the variant has a greater than 10% difference in splicing; this is not very predictive of pathogenicity. In summary, based on the above information the clinical significance of this variant cannot be determined with certainty at this time. This variant is classified as a variant of uncertain significance.

Literature cited by the submitters: PubMed 17576681 (cited by Labcorp Genetics (formerly Invitae), Labcorp); PubMed 9536098 (cited by Labcorp Genetics (formerly Invitae), Labcorp); PubMed 17848578 (cited by Labcorp Genetics (formerly Invitae), Labcorp); PubMed 30925164 (cited by Labcorp Genetics (formerly Invitae), Labcorp); PubMed 32885271 (cited by Quest Diagnostics Nichols Institute San Juan Capistrano).